The following is an entry in ClinVar:

ClinVar aggregate classification (germline): Conflicting classifications of pathogenicity. Review status: criteria provided, conflicting classifications (1 of 4 stars). 3 submissions from 3 submitters: Uncertain significance (2); Likely benign (1). Last evaluated 2025-06-15.

Conditions:
Cardiovascular phenotype. Identifiers: MedGen CN230736.

Allele frequency attached by ClinVar (database versions not stated): gnomAD exomes below 0.00001 and 0.00001; TOPMed 0.00005; ESP Exome Variant Server 0.00008; gnomAD 0.00009 and 0.00010.
gnomAD v4.1: 18 of 1,614,008 alleles (0.0011%); highest among the groups gnomAD compares: African/African-American, 0.024%; no homozygotes.

Submissions (3):

Women's Health and Genetics/Laboratory Corporation of America, LabCorp
Classification: Uncertain significance. Last evaluated: 2025-06-15. Review status: criteria provided, single submitter. Criteria: LabCorp Variant Classification Summary - May 2015. Collection method: clinical testing. Allele origin: germline.
Comment: Variant summary: TTN c.7597A>G (p.Ile2533Val) results in a conservative amino acid change in the encoded protein sequence. Algorithms developed to predict the effect of missense changes on protein structure and function are either unavailable or do not agree on the potential impact of this missense change. Consensus agreement among computation tools predict no significant impact on normal splicing. However, these predictions have yet to be confirmed by functional studies. The variant allele was found at a frequency of 8e-06 in 249482 control chromosomes. The available data on variant occurrences in the general population are insufficient to allow any conclusion about variant significance. To our knowledge, no occurrence of c.7597A>G in individuals affected with Dilated Cardiomyopathy and no experimental evidence demonstrating its impact on protein function have been reported. ClinVar contains an entry for this variant (Variation ID: 1321352). Based on the evidence outlined above, the variant was classified as uncertain significance.

Revvity Omics, Revvity
Classification: Uncertain significance. Last evaluated: 2022-11-09. Review status: criteria provided, single submitter. Criteria: ACMG Guidelines, 2015. Collection method: clinical testing. Allele origin: germline.

Ambry Genetics
Classification: Likely benign for Cardiovascular phenotype. Last evaluated: 2020-06-25. Review status: criteria provided, single submitter. Criteria: Ambry Variant Classification Scheme 2023. Collection method: clinical testing. Allele origin: germline.

NM_001267550.2(TTN):c.7597A>G (p.Ile2533Val)

Gene: TTN (titin; minus strand). Cytogenetic location: 2q31.2.
Variant type: single nucleotide variant.
Coding change: c.7597A>G on transcript NM_001267550.2 (MANE Select); coding-DNA position 7597, A replaced by G.
Protein change: p.Ile2533Val; replaces isoleucine 2533 with valine.
Molecular consequence: missense variant.
Genome position (GRCh38, 1-based): chr2:178,773,367, T>C on the plus strand (A>G on the coding strand, the complement: TTN is on the minus strand). VCF-style: chr2-178773367-T-C. GRCh37 (hg19) VCF-style: chr2-179638094-T-C.
Other names: c.7597A>G, p.Ile2533Val (NM_001256850.1, NM_133378.4, NM_133379.5); c.7459A>G, p.Ile2487Val (NM_003319.4, NM_133432.3, NM_133437.4); short protein forms I2487V, I2533V.
Identifiers: ClinVar variation 1321352 (VCV001321352.7), dbSNP rs372407708, ClinGen allele CA61006186.